The following is an entry in ClinVar:

ClinVar aggregate classification (germline): Pathogenic (1 of 4 stars; one submission).

Conditions:
Saldino-Mainzer syndrome (SRTD9). Also called: CONORENAL SYNDROME; Renal dysplasia, retinal pigmentary dystrophy, cerebellar ataxia and skeletal dysplasia; SHORT-RIB THORACIC DYSPLASIA 9 WITHOUT POLYDACTYLY; short-rib thoracic dysplasia 9 with or without polydactyly. Identifiers: Orphanet 140969, MedGen C1849437, MONDO:0009964, OMIM 266920.

Submission:

Labcorp Genetics (formerly Invitae), Labcorp
Classification: Pathogenic for Saldino-Mainzer syndrome. Last evaluated: 2025-06-29. Review status: criteria provided, single submitter. Criteria: Invitae Variant Classification Sherloc (09022015). Collection method: clinical testing. Allele origin: germline.
Comment: This sequence change creates a premature translational stop signal (p.Glu51*) in the IFT140 gene. It is expected to result in an absent or disrupted protein product. Loss-of-function variants in IFT140 are known to be pathogenic (PMID: 22503633, 23418020, 24009529, 26216056). This variant is present in population databases (no rsID available, gnomAD 0.06%). This variant has not been reported in the literature in individuals affected with IFT140-related conditions. For these reasons, this variant has been classified as Pathogenic.

Literature cited by the submitters: PubMed 22503633; PubMed 23418020; PubMed 24009529; PubMed 26216056.

NM_014714.4(IFT140):c.151G>T (p.Glu51Ter)

Genes: IFT140 (intraflagellar transport 140; minus strand), LOC105371046 (uncharacterized LOC105371046; plus strand). Cytogenetic location: 16p13.3.
Variant type: single nucleotide variant.
Coding change: c.151G>T on transcript NM_014714.4 (MANE Select); coding-DNA position 151, G replaced by T.
Protein change: p.Glu51Ter; replaces glutamic acid 51 with a stop codon.
Molecular consequence: nonsense.
Genome position (GRCh38, 1-based): chr16:1,602,588, C>A on the plus strand (G>T on the coding strand, the complement: IFT140 is on the minus strand). VCF-style: chr16-1602588-C-A. GRCh37 (hg19) VCF-style: chr16-1652589-C-A.
Other names: short protein forms E51*.
Identifiers: ClinVar variation 4737017 (VCV004737017.1).